The following is an entry in ClinVar:

NM_017780.4(CHD7):c.7463G>A (p.Gly2488Asp)

Gene: CHD7 (chromodomain helicase DNA binding protein 7; plus strand). Cytogenetic location: 8q12.2.
Variant type: single nucleotide variant.
Coding change: c.7463G>A on transcript NM_017780.4 (MANE Select); coding-DNA position 7463, G replaced by A.
Protein change: p.Gly2488Asp; replaces glycine 2488 with aspartic acid.
Molecular consequence: missense variant. On other transcripts: intron variant (1).
Genome position (GRCh38, 1-based): chr8:60,856,743, G>A. VCF-style: chr8-60856743-G-A. GRCh37 (hg19) VCF-style: chr8-61769302-G-A.
Other names: NM_017780.4(CHD7):c.7463G>A; c.1717-5486G>A (NM_001316690.1); c.7463G>A (NM_017780.2); short protein forms G2488D.
Identifiers: ClinVar variation 95813 (VCV000095813.18), dbSNP rs398124324, ClinGen allele CA223330.
Genomic context (GRCh38, chr8:60,856,743, plus strand): 5'-CTAATGTCTCAACACCAGTGTCTGATGCCTTTAAGACTCAAATGGAACTGCTCCAAGCAG[G>A]CCTTTCGCGCACACCCACAAGGCATCTCCTTAATGGCTCCCTAGTGGATGGAGAGCCTCC-3'
Protein context (NP_060250.2, residues 2478-2498): FKTQMELLQA[Gly2488Asp]LSRTPTRHLL

ClinVar aggregate classification (germline): Conflicting classifications of pathogenicity. Review status: criteria provided, conflicting classifications (1 of 4 stars). 6 submissions from 6 submitters: Uncertain significance (5); Likely benign (1). Last evaluated 2026-08-07.

Conditions:
Inborn genetic diseases. Identifiers: MedGen C0950123, MeSH D030342.
CHARGE syndrome (CHARGE). Also called: Hittner Hirsch Kreh syndrome; Coloboma, heart anomaly, choanal atresia, retardation, genital and ear anomalies; CHARGE association; Hall-Hittner syndrome; CHARGE ASSOCIATION--COLOBOMA, HEART ANOMALY, CHOANAL ATRESIA, RETARDATION, GENITAL AND EAR ANOMALIES. Identifiers: Orphanet 138, MedGen C0265354, MONDO:0008965.
Hypogonadotropic hypogonadism 5 with or without anosmia (KAL5). Also called: CHD7-Related GnRH Deficiency (Kallmann Syndrome 5); HYPOGONADOTROPIC HYPOGONADISM 5 WITH ANOSMIA; HYPOGONADOTROPHIC HYPOGONADISM 5 WITHOUT ANOSMIA. Identifiers: Orphanet 478, MedGen C3552553, MONDO:0012880, OMIM 612370. Disease mechanism: loss of function.

Allele frequency attached by ClinVar (database versions not stated): TOPMed 0.00005; gnomAD 0.00003 and 0.00004; gnomAD exomes 0.00003 and 0.00011.
gnomAD v4.1: 165 of 1,613,938 alleles (0.01%); highest among the groups gnomAD compares: Non-Finnish European, 0.013%; no homozygotes.

Submissions (6):

GeneDx
Classification: Uncertain significance. Last evaluated: 2026-08-07. Review status: criteria provided, single submitter. Criteria: GeneDx Variant Classification Process June 2021. Collection method: clinical testing. Allele origin: germline.
Comment: Reported in a patient with CHARGE syndrome in published literature (PMID: 22539353); additional family members noted to harbor variant but no clinical information available; In silico analysis supports that this missense variant has a deleterious effect on protein structure/function; This variant is associated with the following publications: (PMID: 22539353, 22461308)

Labcorp Genetics (formerly Invitae), Labcorp
Classification: Likely benign for CHARGE syndrome. Last evaluated: 2026-01-04. Review status: criteria provided, single submitter. Criteria: Invitae Variant Classification Sherloc (09022015). Collection method: clinical testing. Allele origin: germline.

Broad Center for Mendelian Genomics, Broad Institute of MIT and Harvard
Classification: Uncertain significance for CHARGE syndrome. Last evaluated: 2024-03-12. Review status: criteria provided, single submitter. Criteria: ACMG Guidelines, 2015. Collection method: curation. Allele origin: germline. Inheritance: Autosomal dominant inheritance.
Comment: The p.Gly2488Asp variant in CHD7 has been previously reported in at least one individual with CHARGE syndrome (PMID: 22461308, PMID: 22539353) but has been identified in 0.007% (9/128430) of European (non-Finnish) chromosomes by the Genome Aggregation Database (gnomAD; dbSNP ID: rs398124324). Although this variant has been seen in the general population in a heterozygous state, its frequency is not high enough to rule out a pathogenic role. Pathogenic variants may be present at a low frequency in the general population, for diseases with clinical variability, or reduced penetrance. This variant has also been reported in ClinVar (Variation ID: 95813) and has been interpreted as a variant of uncertain significance by Eurofins NTD LLC, Invitae, Ambry, and Fulgent. Computational prediction tools and conservation analyses do not provide strong support for or against an impact to the protein. In summary, the clinical significance of the p.Gly2488Asp variant is uncertain. ACMG/AMP Criteria applied: PS4_Supporting (Richards 2015).

Fulgent Genetics
Classification: Uncertain significance for CHD7-related CHARGE syndrome; Hypogonadotropic hypogonadism 5 with or without anosmia. Last evaluated: 2021-07-19. Review status: criteria provided, single submitter. Criteria: ACMG Guidelines, 2015. Collection method: clinical testing. Allele origin: unknown.

Ambry Genetics
Classification: Uncertain significance for Inborn genetic diseases. Last evaluated: 2017-11-13. Review status: criteria provided, single submitter. Criteria: Ambry Variant Classification Scheme 2023. Collection method: clinical testing. Allele origin: germline.
Comment: The p.G2488D variant (also known as c.7463G>A), located in coding exon 33 of the CHD7 gene, results from a G to A substitution at nucleotide position 7463. The glycine at codon 2488 is replaced by aspartic acid, an amino acid with similar properties. In two studies, this alteration has been detected in individuals with CHARGE syndrome as well as in their relatives (Bergman JE et al. Hum. Mutat., 2012 Aug;33:1251-60; Janssen N et al. Hum. Mutat., 2012 Aug;33:1149-60). This amino acid position is well conserved in available vertebrate species. In addition, this alteration is predicted to be deleterious by in silico analysis. Since supporting evidence is limited at this time, the clinical significance of this alteration remains unclear.

Eurofins Ntd Llc (ga)
Classification: Uncertain significance. Last evaluated: 2013-02-22. Review status: criteria provided, single submitter. Criteria: EGL Classification Definitions 2015. Collection method: clinical testing. Allele origin: germline. Observed: 1 variant allele, 1 heterozygote.

Literature cited by the submitters: PubMed 39033378 (cited by Broad Center for Mendelian Genomics, Broad Institute of MIT and Harvard); PubMed 22461308 (cited by Ambry Genetics); PubMed 22539353 (cited by Ambry Genetics).